The following is an entry in ClinVar:

NM_001368894.2(PAX6):c.274G>C (p.Val92Leu)

Gene: PAX6 (paired box 6; minus strand). Cytogenetic location: 11p13.
Variant type: single nucleotide variant.
Coding change: c.274G>C on transcript NM_001368894.2 (MANE Select); coding-DNA position 274, G replaced by C.
Protein change: p.Val92Leu; replaces valine 92 with leucine.
Molecular consequence: missense variant. On other transcripts: 5 prime UTR variant (14), non-coding transcript variant (2), intron variant (8).
Genome position (GRCh38, 1-based): chr11:31,801,686, C>G on the plus strand (G>C on the coding strand, the complement: PAX6 is on the minus strand). VCF-style: chr11-31801686-C-G. GRCh37 (hg19) VCF-style: chr11-31823234-C-G.
Other names: c.232G>C, p.Val78Leu (NM_000280.6, NM_001127612.3, NM_001258464.2 and 10 more transcripts); c.274G>C, p.Val92Leu (NM_001258462.3, NM_001258463.2, NM_001310158.2 and 6 more transcripts); c.-508G>C (NM_001310160.2, NM_001368902.2, NM_001368905.2); c.-177G>C (NM_001310161.3, NM_001368899.2, NM_001368900.2 and 8 more transcripts); c.475G>C, p.Val159Leu (NM_001368910.2); c.277G>C, p.Val93Leu (NM_001368911.2); c.349G>C, p.Val117Leu (NM_001368918.2, NM_001368919.2); c.307G>C, p.Val103Leu (NM_001368920.2); and 2 more; short protein forms V117L, V78L, V93L, V103L, V159L, V92L.
Identifiers: ClinVar variation 2942049 (VCV002942049.3), dbSNP rs2496142215, ClinGen allele CA379958785.

ClinVar aggregate classification (germline): Uncertain significance (1 of 4 stars; one submission).

Conditions:
Aniridia 1 (AN1). Identifiers: Orphanet 250923, MedGen C0344542, MONDO:0024507, OMIM 106210.
Irido-corneo-trabecular dysgenesis (ASGD5). Also called: ANTERIOR SEGMENT DYSGENESIS 5. Identifiers: Orphanet 708, MedGen C0344559, MONDO:0011414, OMIM 604229, HP:0000659.

Submission:

Labcorp Genetics (formerly Invitae), Labcorp
Classification: Uncertain significance for Aniridia 1; Irido-corneo-trabecular dysgenesis. Last evaluated: 2024-01-10. Review status: criteria provided, single submitter. Criteria: Invitae Variant Classification Sherloc (09022015). Collection method: clinical testing. Allele origin: germline.
Comment: This sequence change replaces valine, which is neutral and non-polar, with leucine, which is neutral and non-polar, at codon 78 of the PAX6 protein (p.Val78Leu). This variant is not present in population databases (gnomAD no frequency). This variant has not been reported in the literature in individuals affected with PAX6-related conditions. Advanced modeling of protein sequence and biophysical properties (such as structural, functional, and spatial information, amino acid conservation, physicochemical variation, residue mobility, and thermodynamic stability) performed at Invitae indicates that this missense variant is expected to disrupt PAX6 protein function with a positive predictive value of 80%. This variant disrupts the p.Val78 amino acid residue in PAX6. Other variant(s) that disrupt this residue have been determined to be pathogenic (PMID: 30167917, 34415986). This suggests that this residue is clinically significant, and that variants that disrupt this residue are likely to be disease-causing. In summary, the available evidence is currently insufficient to determine the role of this variant in disease. Therefore, it has been classified as a Variant of Uncertain Significance.

Literature cited by the submitters: PubMed 30167917; PubMed 34415986.